The following is an entry in ClinVar:

NM_000051.4(ATM):c.733G>A (p.Val245Ile)

Gene: ATM (ATM serine/threonine kinase; plus strand). Cytogenetic location: 11q22.3.
Variant type: single nucleotide variant.
Coding change: c.733G>A on transcript NM_000051.4 (MANE Select); coding-DNA position 733, G replaced by A.
Protein change: p.Val245Ile; replaces valine 245 with isoleucine.
Molecular consequence: missense variant.
Genome position (GRCh38, 1-based): chr11:108,244,858, G>A. VCF-style: chr11-108244858-G-A. GRCh37 (hg19) VCF-style: chr11-108115585-G-A.
Other names: c.733G>A, p.Val245Ile (NM_001351834.2); short protein forms V245I.
Identifiers: ClinVar variation 453675 (VCV000453675.14), dbSNP rs1555067081, ClinGen allele CA382529237.
Genomic context (GRCh38, chr11:108,244,858, plus strand): 5'-AGCTCTTCAGGTCTAAATCATATCTTAGCAGCTCTTACTATCTTCCTCAAGACTTTGGCT[G>A]TCAACTTTCGAATTCGAGTGTGTGAATTAGGAGATGAAATTCTTCCCACTTTGCTTTATA-3'
Protein context (NP_000042.3, residues 235-255): ALTIFLKTLA[Val245Ile]NFRIRVCELG

ClinVar aggregate classification (germline): Conflicting classifications of pathogenicity. Review status: criteria provided, conflicting classifications (1 of 4 stars). 4 submissions from 4 submitters: Uncertain significance (1); Benign (1); Likely benign (1). 1 of the submissions does not count toward it. Last evaluated 2025-12-03.

Conditions:
Hereditary cancer-predisposing syndrome. Also called: Tumor predisposition; Hereditary Cancer Syndrome; Neoplastic Syndromes, Hereditary; Hereditary neoplastic syndrome. Identifiers: Orphanet 140162, MedGen C0027672, MeSH D009386, MONDO:0015356.
Ataxia-telangiectasia syndrome (AT). Also called: Cerebello-oculocutaneous telangiectasia; Immunodeficiency with ataxia telangiectasia; Ataxia-telangiectasia, complementation group D; AT, COMPLEMENTATION GROUP C; Ataxia-telangiectasia, complementation group E; LOUIS-BAR SYNDROME. Identifiers: Orphanet 100, MedGen C0004135, MONDO:0008840, OMIM 208900.

Allele frequency attached by ClinVar (database versions not stated): TOPMed below 0.00001.

Submissions (4):

Ambry Genetics
Classification: Benign for Hereditary cancer-predisposing syndrome. Last evaluated: 2025-12-03. Review status: criteria provided, single submitter. Criteria: Ambry Variant Classification Scheme 2023. Collection method: clinical testing. Allele origin: germline.

Color Diagnostics, LLC DBA Color Health
Classification: Likely benign for Hereditary cancer-predisposing syndrome. Last evaluated: 2024-09-23. Review status: criteria provided, single submitter. Criteria: ACMG Guidelines, 2015. Collection method: clinical testing. Allele origin: germline.

Labcorp Genetics (formerly Invitae), Labcorp
Classification: Uncertain significance for Ataxia-telangiectasia syndrome. Last evaluated: 2024-03-16. Review status: criteria provided, single submitter. Criteria: Invitae Variant Classification Sherloc (09022015). Collection method: clinical testing. Allele origin: germline.
Comment: This sequence change replaces valine, which is neutral and non-polar, with isoleucine, which is neutral and non-polar, at codon 245 of the ATM protein (p.Val245Ile). This variant is not present in population databases (gnomAD no frequency). This variant has not been reported in the literature in individuals affected with ATM-related conditions. ClinVar contains an entry for this variant (Variation ID: 453675). Algorithms developed to predict the effect of missense changes on protein structure and function output the following: SIFT: "Not Available"; PolyPhen-2: "Benign"; Align-GVGD: "Not Available". The isoleucine amino acid residue is found in multiple mammalian species, which suggests that this missense change does not adversely affect protein function. In summary, the available evidence is currently insufficient to determine the role of this variant in disease. Therefore, it has been classified as a Variant of Uncertain Significance.

Natera, Inc.
Classification: Uncertain significance for Ataxia-telangiectasia. Last evaluated: 2025-03-08. Review status: no assertion criteria provided. Collection method: clinical testing. Allele origin: germline. Not counted in ClinVar's aggregate classification.

Literature cited by the submitters: PubMed 40580951 (cited by Ambry Genetics).